The following is an entry in ClinVar:

NM_001110556.2(FLNA):c.2467G>A (p.Asp823Asn)

Gene: FLNA (filamin A; minus strand). Cytogenetic location: Xq28.
Variant type: single nucleotide variant.
Coding change: c.2467G>A on transcript NM_001110556.2 (MANE Select); coding-DNA position 2467, G replaced by A.
Protein change: p.Asp823Asn; replaces aspartic acid 823 with asparagine.
Molecular consequence: missense variant.
Genome position (GRCh38, 1-based): chrX:154,362,516, C>T on the plus strand (G>A on the coding strand, the complement: FLNA is on the minus strand). VCF-style: chrX-154362516-C-T. GRCh37 (hg19) VCF-style: chrX-153590884-C-T.
Other names: c.2467G>A, p.Asp823Asn (NM_001456.4); c.2467G>A (NM_001456.3); short protein forms D823N.
Identifiers: ClinVar variation 930326 (VCV000930326.7), dbSNP rs1557178278, ClinGen allele CA415236565.
Genomic context (GRCh38, chrX:154,362,516, plus strand): 5'-CCCCCCGGGGCGTGTACTTGACCGTGAAGGTGTCATTGTCATTGCGGATGATGTCGAAGT[C>T]GATGTCAGCTTCGGCGGGGCCTACCACTCCAGGGGCACACTTGATGCCGATGCTGACGTC-3'
Protein context (NP_001104026.1, residues 813-833): GVVGPAEADI[Asp823Asn]FDIIRNDNDT

ClinVar aggregate classification (germline): Conflicting classifications of pathogenicity. Review status: criteria provided, conflicting classifications (1 of 4 stars). 3 submissions from 3 submitters: Uncertain significance (2); Benign (1). Last evaluated 2026-03-31.

Conditions:
Cardiac valvular dysplasia, X-linked (CVDPX). Also called: FLNA-Related X-linked Cardiac Valvular Dysplasia; VALVULAR HEART DISEASE, CONGENITAL; Congenital valvular dysplasia; Isolated X-Linked Cardiac Valvular Dysplasia; MYXOMATOUS VALVULAR DYSTROPHY, X-LINKED. Identifiers: Orphanet 1864, Orphanet 555877, Orphanet 75497, MedGen C0262436, MONDO:0010753, OMIM 314400.
Melnick-Needles syndrome (MNS). Also called: MELNICK-NEEDLES OSTEODYSPLASTY; OSTEODYSPLASTY OF MELNICK AND NEEDLES; Melnick-Needles Syndrome (FLNA-MNS). Identifiers: Orphanet 2484, MedGen C0025237, MONDO:0010650, OMIM 309350.
Frontometaphyseal dysplasia (FMD1). Identifiers: Orphanet 1826, MedGen C0265293, MONDO:0015942.
Oto-palato-digital syndrome, type II (OPD2). Also called: Otopalatodigital Syndrome, Type II; FACIOPALATOOSSEOUS SYNDROME; OPD II SYNDROME; Otopalatodigital Syndrome Type 2 (FLNA-OPD2). Identifiers: Orphanet 669, Orphanet 90652, MedGen C1844696, MONDO:0010571, OMIM 304120.
Heterotopia, periventricular, X-linked dominant (PVNH1). Also called: X-linked periventricular heterotopia; PERIVENTRICULAR NODULAR HETEROTOPIA 4; HETEROTOPIA, PERIVENTRICULAR, 1; PERIVENTRICULAR NODULAR HETEROTOPIA 1. Identifiers: Orphanet 2149, Orphanet 82004, MedGen C1848213, MONDO:0010233, OMIM 300049.

Allele frequency attached by ClinVar (database versions not stated): gnomAD exomes 0.00001.
gnomAD v4.1: 7 of 1,211,193 alleles (0.00058%); highest among the groups gnomAD compares: Middle Eastern, 0.023%; no homozygotes.

Submissions (3):

GeneDx
Classification: Uncertain significance. Last evaluated: 2026-03-31. Review status: criteria provided, single submitter. Criteria: GeneDx Variant Classification Process June 2021. Collection method: clinical testing. Allele origin: germline.
Comment: In silico analysis supports that this missense variant has a deleterious effect on protein structure/function; Has not been previously published as pathogenic or benign to our knowledge

Labcorp Genetics (formerly Invitae), Labcorp
Classification: Benign for Oto-palato-digital syndrome, type II; Heterotopia, periventricular, X-linked dominant; Frontometaphyseal dysplasia; Melnick-Needles syndrome. Last evaluated: 2024-01-29. Review status: criteria provided, single submitter. Criteria: Invitae Variant Classification Sherloc (09022015). Collection method: clinical testing. Allele origin: germline.

Centre for Mendelian Genomics, University Medical Centre Ljubljana
Classification: Uncertain significance for Cardiac valvular dysplasia, X-linked. Last evaluated: 2018-11-21. Review status: criteria provided, single submitter. Criteria: ACMG Guidelines, 2015. Collection method: clinical testing. Allele origin: unknown. Affected: yes.
Comment: This variant was classified as: Uncertain significance. The available evidence on this variant's pathogenicity is insufficient or conflicting. The following ACMG criteria were applied in classifying this variant: PP3.